The following is an entry in ClinVar:

ClinVar aggregate classification (germline): Uncertain significance (1 of 4 stars; one submission).

Submission:

CeGaT Center for Human Genetics Tuebingen
Classification: Uncertain significance. Last evaluated: 2025-05-01. Review status: criteria provided, single submitter. Criteria: CeGaT Center For Human Genetics Tuebingen Variant Classification Criteria Version 2. Collection method: clinical testing. Allele origin: germline. Affected: yes. Observed: 1 variant allele.
Comment: ZNF462: PM2, BP4

NM_021224.6(ZNF462):c.7357C>G (p.Pro2453Ala)

Genes: ZNF462 (zinc finger protein 462; plus strand), LOC340512 (uncharacterized LOC340512; minus strand). Cytogenetic location: 9q31.2.
Variant type: single nucleotide variant.
Coding change: c.7357C>G on transcript NM_021224.6 (MANE Select); coding-DNA position 7357, C replaced by G.
Protein change: p.Pro2453Ala; replaces proline 2453 with alanine.
Molecular consequence: missense variant.
Genome position (GRCh38, 1-based): chr9:107,010,866, C>G. VCF-style: chr9-107010866-C-G. GRCh37 (hg19) VCF-style: chr9-109773147-C-G.
Other names: c.4762C>G, p.Pro1588Ala (NM_001347997.2); short protein forms P1588A, P2453A.
Identifiers: ClinVar variation 3906028 (VCV003906028.10).